The following is an entry in ClinVar:

ClinVar aggregate classification (germline): Uncertain significance (1 of 4 stars; one submission).

Conditions:
Charcot-Marie-Tooth disease dominant intermediate C (CMTDIC). Also called: CHARCOT-MARIE-TOOTH NEUROPATHY, DOMINANT INTERMEDIATE C. Identifiers: Orphanet 100045, MedGen C1842237, MONDO:0012012, OMIM 608323.

Submission:

Labcorp Genetics (formerly Invitae), Labcorp
Classification: Uncertain significance for Charcot-Marie-Tooth disease dominant intermediate C. Last evaluated: 2025-04-14. Review status: criteria provided, single submitter. Criteria: Invitae Variant Classification Sherloc (09022015). Collection method: clinical testing. Allele origin: germline.
Comment: This sequence change falls in intron 9 of the YARS gene. It does not directly change the encoded amino acid sequence of the YARS protein. It affects a nucleotide within the consensus splice site. This variant is not present in population databases (gnomAD no frequency). This variant has not been reported in the literature in individuals affected with YARS-related conditions. ClinVar contains an entry for this variant (Variation ID: 1017302). Variants that disrupt the consensus splice site are a relatively common cause of aberrant splicing (PMID: 17576681, 9536098). Algorithms developed to predict the effect of sequence changes on RNA splicing suggest that this variant is not likely to affect RNA splicing. In summary, the available evidence is currently insufficient to determine the role of this variant in disease. Therefore, it has been classified as a Variant of Uncertain Significance.

Literature cited by the submitters: PubMed 17576681; PubMed 9536098.

NM_003680.4(YARS1):c.1042+6G>A

Gene: YARS1 (tyrosyl-tRNA synthetase 1; minus strand). Cytogenetic location: 1p35.1.
Variant type: single nucleotide variant.
Coding change: c.1042+6G>A on transcript NM_003680.4 (MANE Select); 6 bases into the intron after coding-DNA position 1042, G replaced by A.
Molecular consequence: intron variant.
Genome position (GRCh38, 1-based): chr1:32,782,398, C>T on the plus strand (G>A on the coding strand, the complement: YARS1 is on the minus strand). VCF-style: chr1-32782398-C-T. GRCh37 (hg19) VCF-style: chr1-33247999-C-T.
Identifiers: ClinVar variation 1017302 (VCV001017302.6), dbSNP rs1653088376, ClinGen allele CA2473064089.
Genomic context (GRCh38, chr1:32,782,398, plus strand): 5'-TTTTTCCAAGGCTCATTGACAAGCTCTCTCTCCTGATGATGTCGGCCCCTCTCCAGCTGG[C>T]CTTACTCTGCTTTGAGGGATCTGGGTAGGCAGCGCTGGCCAGTTTTTTCAGGGCAGGGGT-3'